The following is an entry in ClinVar:

NM_003072.5(SMARCA4):c.1152A>G (p.Glu384=)

Gene: SMARCA4 (SWI/SNF related BAF chromatin remodeling complex subunit ATPase 4; plus strand). Cytogenetic location: 19p13.2.
Variant type: single nucleotide variant.
Coding change: c.1152A>G on transcript NM_003072.5 (MANE Select); coding-DNA position 1152, A replaced by G.
Protein change: p.Glu384=; no amino-acid change (glutamic acid 384 retained).
Molecular consequence: synonymous variant. On other transcripts: non-coding transcript variant (1).
Genome position (GRCh38, 1-based): chr19:10,989,350, A>G. VCF-style: chr19-10989350-A-G. GRCh37 (hg19) VCF-style: chr19-11100026-A-G.
Other names: c.1152A>G, p.Glu384= (NM_001128844.3, NM_001128845.2, NM_001128846.2 and 4 more transcripts).
Identifiers: ClinVar variation 794288 (VCV000794288.11), dbSNP rs770921864, ClinGen allele CA9203708.

ClinVar aggregate classification (germline): Benign/Likely benign. Review status: criteria provided, multiple submitters, no conflicts (2 of 4 stars). 2 submissions from 2 submitters: Benign (1); Likely benign (1). Last evaluated 2026-07-09.

Conditions:
Rhabdoid tumor predisposition syndrome 2 (RTPS2). Identifiers: Orphanet 231108, Orphanet 69077, MedGen C2750074, MONDO:0013224, OMIM 613325.

Allele frequency attached by ClinVar (database versions not stated): gnomAD exomes below 0.00001 and 0.00001; ExAC 0.00002.
gnomAD v4.1: 2 of 1,614,110 alleles (0.00012%); highest among the groups gnomAD compares: Non-Finnish European, 0.00017%; no homozygotes.

Submissions (2):

Myriad Genetics, Inc.
Classification: Benign for Rhabdoid tumor predisposition syndrome 2. Last evaluated: 2026-07-09. Review status: criteria provided, single submitter. Criteria: Myriad Autosomal Dominant, Autosomal Recessive and X-Linked Classification Criteria (2023). Collection method: clinical testing. Allele origin: unknown.
Comment: This variant is considered benign. This variant is a silent/synonymous amino acid change and it is not expected to impact splicing.

Labcorp Genetics (formerly Invitae), Labcorp
Classification: Likely benign for Rhabdoid tumor predisposition syndrome 2. Last evaluated: 2024-08-19. Review status: criteria provided, single submitter. Criteria: Invitae Variant Classification Sherloc (09022015). Collection method: clinical testing. Allele origin: germline.